The following is an entry in ClinVar:

NM_000394.4(CRYAA):c.466G>A (p.Glu156Lys)

Gene: CRYAA (crystallin alpha A; plus strand). Cytogenetic location: 21q22.3.
Variant type: single nucleotide variant.
Coding change: c.466G>A on transcript NM_000394.4 (MANE Select); coding-DNA position 466, G replaced by A.
Protein change: p.Glu156Lys; replaces glutamic acid 156 with lysine.
Molecular consequence: missense variant.
Genome position (GRCh38, 1-based): chr21:43,172,224, G>A. VCF-style: chr21-43172224-G-A. GRCh37 (hg19) VCF-style: chr21-44592334-G-A.
Other names: c.355G>A, p.Glu119Lys (NM_001363766.1); short protein forms E156K, E119K.
Identifiers: ClinVar variation 3713814 (VCV003713814.2).
Genomic context (GRCh38, chr21:43,172,224, plus strand): 5'-GATGGCATGCTGACCTTCTGTGGCCCCAAGATCCAGACTGGCCTGGATGCCACCCACGCC[G>A]AGCGAGCCATCCCCGTGTCGCGGGAGGAGAAGCCCACCTCGGCTCCCTCGTCCTAAGCAG-3'
Protein context (NP_000385.1, residues 146-166): IQTGLDATHA[Glu156Lys]RAIPVSREEK

ClinVar aggregate classification (germline): Uncertain significance (1 of 4 stars; one submission).

Conditions:
Cataract 9 multiple types. Also called: Cataract 9, multiple types, with or without microcornea; Cataract, autosomal recessive congenital 1. Identifiers: Orphanet 1377, MedGen C1858679, MONDO:0011413, OMIM 604219.

Submission:

Labcorp Genetics (formerly Invitae), Labcorp
Classification: Uncertain significance for Cataract 9 multiple types. Last evaluated: 2024-10-24. Review status: criteria provided, single submitter. Criteria: Invitae Variant Classification Sherloc (09022015). Collection method: clinical testing. Allele origin: germline.
Comment: This sequence change replaces glutamic acid, which is acidic and polar, with lysine, which is basic and polar, at codon 156 of the CRYAA protein (p.Glu156Lys). This variant is present in population databases (rs76740365, gnomAD 0.009%). This variant has not been reported in the literature in individuals affected with CRYAA-related conditions. An algorithm developed to predict the effect of missense changes on protein structure and function (PolyPhen-2) suggests that this variant is likely to be tolerated. Experimental studies have shown that this missense change affects CRYAA function (PMID: 36338667). In summary, the available evidence is currently insufficient to determine the role of this variant in disease. Therefore, it has been classified as a Variant of Uncertain Significance.

Literature cited by the submitters: PubMed 36338667.